The following is an entry in ClinVar:

NM_006648.4(WNK2):c.4771G>T (p.Asp1591Tyr)

Gene: WNK2 (WNK lysine deficient protein kinase 2; plus strand). Cytogenetic location: 9q22.31.
Variant type: single nucleotide variant.
Coding change: c.4771G>T on transcript NM_006648.4 (MANE Select); coding-DNA position 4771, G replaced by T.
Protein change: p.Asp1591Tyr; replaces aspartic acid 1591 with tyrosine.
Molecular consequence: missense variant.
Genome position (GRCh38, 1-based): chr9:93,289,525, G>T. VCF-style: chr9-93289525-G-T. GRCh37 (hg19) VCF-style: chr9-96051807-G-T.
Other names: c.4882G>T, p.Asp1628Tyr (NM_001282394.3); short protein forms D1591Y, D1628Y.
Identifiers: ClinVar variation 3470495 (VCV003470495.1).

ClinVar aggregate classification (germline): Uncertain significance (1 of 4 stars; one submission).

gnomAD v4.1: 1 of 1,597,622 alleles (0.000063%); no homozygotes.

Submission:

Ambry Genetics
Classification: Uncertain significance. Last evaluated: 2024-11-28. Review status: criteria provided, single submitter. Criteria: Ambry Variant Classification Scheme 2023. Collection method: clinical testing. Allele origin: germline.
Comment: The p.D1591Y variant (also known as c.4771G>T), located in coding exon 19 of the WNK2 gene, results from a G to T substitution at nucleotide position 4771. The aspartic acid at codon 1591 is replaced by tyrosine, an amino acid with highly dissimilar properties. This amino acid position is conserved. In addition, this alteration is predicted to be tolerated by in silico analysis. Based on the available evidence, the clinical significance of this variant remains unclear.